The following is an entry in ClinVar:

NM_020831.6(MRTFA):c.2114C>T (p.Ala705Val)

Gene: MRTFA (myocardin related transcription factor A; minus strand). Cytogenetic location: 22q13.1.
Variant type: single nucleotide variant.
Coding change: c.2114C>T on transcript NM_020831.6 (MANE Select); coding-DNA position 2114, C replaced by T.
Protein change: p.Ala705Val; replaces alanine 705 with valine.
Molecular consequence: missense variant.
Genome position (GRCh38, 1-based): chr22:40,418,624, G>A on the plus strand (C>T on the coding strand, the complement: MRTFA is on the minus strand). VCF-style: chr22-40418624-G-A. GRCh37 (hg19) VCF-style: chr22-40814628-G-A.
Other names: c.1814C>T (NM_020831.3); c.1814C>T, p.Ala605Val (NM_001282660.2); c.1964C>T, p.Ala655Val (NM_001282661.3); c.2114C>T, p.Ala705Val (NM_001282662.3); c.1919C>T, p.Ala640Val (NM_001318139.2); short protein forms A705V, A640V, A655V, A605V.
Identifiers: ClinVar variation 2048008 (VCV002048008.6), dbSNP rs535754537, ClinGen allele CA10249447.
Genomic context (GRCh38, chr22:40,418,624, plus strand): 5'-TGCTTCACCACCACGGACGGGGGCCCCGGGGCCACAGCACAAGGGTCTATGTGGTTGGTG[G>A]CTGGGGCCGCCAGGCTGGGGTTGAATGGGTGAGCGGGGCCCAGGGGCTGCTGGCTCAGCT-3'
Protein context (NP_065882.2, residues 695-715): HPFNPSLAAP[Ala705Val]TNHIDPCAVA

ClinVar aggregate classification (germline): Uncertain significance. Review status: criteria provided, multiple submitters, no conflicts (2 of 4 stars). 2 submissions from 2 submitters: Uncertain significance (2). Last evaluated 2025-08-26.

Allele frequency attached by ClinVar (database versions not stated): gnomAD 0.00001; gnomAD exomes 0.00001; ExAC 0.00007; 1000 Genomes Project 30x 0.00016; 1000 Genomes Project 0.00020.
gnomAD v4.1: 16 of 1,531,408 alleles (0.001%); highest among the groups gnomAD compares: South Asian, 0.019%; no homozygotes.

Submissions (2):

Ambry Genetics
Classification: Uncertain significance. Last evaluated: 2025-08-26. Review status: criteria provided, single submitter. Criteria: Ambry Variant Classification Scheme 2023. Collection method: clinical testing. Allele origin: germline.

Labcorp Genetics (formerly Invitae), Labcorp
Classification: Uncertain significance. Last evaluated: 2023-03-08. Review status: criteria provided, single submitter. Criteria: Invitae Variant Classification Sherloc (09022015). Collection method: clinical testing. Allele origin: germline.
Comment: In summary, the available evidence is currently insufficient to determine the role of this variant in disease. Therefore, it has been classified as a Variant of Uncertain Significance. An algorithm developed to predict the effect of missense changes on protein structure and function (PolyPhen-2) suggests that this variant is likely to be tolerated. ClinVar contains an entry for this variant (Variation ID: 2048008). This variant has not been reported in the literature in individuals affected with MKL1-related conditions. This variant is present in population databases (rs535754537, gnomAD 0.05%). This sequence change replaces alanine, which is neutral and non-polar, with valine, which is neutral and non-polar, at codon 605 of the MKL1 protein (p.Ala605Val).